The following is an entry in ClinVar:

ClinVar aggregate classification (germline): Uncertain significance (1 of 4 stars; one submission).

Conditions:
SEMA3D-related disorder. Also called: SEMA3D-related condition.

gnomAD v4.1: 2 of 1,611,278 alleles (0.00012%); highest among the groups gnomAD compares: Non-Finnish European, 0.00017%; no homozygotes.

Submission:

PreventionGenetics, part of Exact Sciences
Classification: Uncertain significance for SEMA3D-related condition. Last evaluated: 2025-08-08. Review status: criteria provided, single submitter. Criteria: ACMG Guidelines, 2015. Collection method: clinical testing. Allele origin: germline.
Comment: The SEMA3D c.1207T>A variant is predicted to result in the amino acid substitution p.Tyr403Asn. To our knowledge, this variant has not been reported in the literature. This variant is reported in 0.00088% of alleles in individuals of European (Non-Finnish) descent in gnomAD. At this time, the clinical significance of this variant is uncertain due to the absence of conclusive functional and genetic evidence.

NM_001384900.1(SEMA3D):c.1207T>A (p.Tyr403Asn)

Gene: SEMA3D (semaphorin 3D; minus strand). Cytogenetic location: 7q21.11.
Variant type: single nucleotide variant.
Coding change: c.1207T>A on transcript NM_001384900.1 (MANE Select); coding-DNA position 1207, T replaced by A.
Protein change: p.Tyr403Asn; replaces tyrosine 403 with asparagine.
Molecular consequence: missense variant.
Genome position (GRCh38, 1-based): chr7:85,022,598, A>T on the plus strand (T>A on the coding strand, the complement: SEMA3D is on the minus strand). VCF-style: chr7-85022598-A-T. GRCh37 (hg19) VCF-style: chr7-84651914-A-T.
Other names: c.1207T>A, p.Tyr403Asn (NM_001384901.1, NM_001384902.1, NM_001384903.1 and 1 more transcripts); short protein forms Y403N.
Identifiers: ClinVar variation 5000199 (VCV005000199.1).